The following is an entry in ClinVar:

NM_004380.3(CREBBP):c.85+1G>A

Gene: CREBBP (CREB binding lysine acetyltransferase; minus strand). Cytogenetic location: 16p13.3.
Variant type: single nucleotide variant.
Coding change: c.85+1G>A on transcript NM_004380.3 (MANE Select); the canonical splice donor site of the intron after coding-DNA position 85, G replaced by A.
Molecular consequence: splice donor variant.
Genome position (GRCh38, 1-based): chr16:3,879,831, C>T on the plus strand (G>A on the coding strand, the complement: CREBBP is on the minus strand). VCF-style: chr16-3879831-C-T. GRCh37 (hg19) VCF-style: chr16-3929832-C-T.
Other names: c.85+1G>A (NM_001079846.1).
Identifiers: ClinVar variation 689621 (VCV000689621.2), dbSNP rs1597099388, ClinGen allele CA394567664.

ClinVar aggregate classification (germline): Likely pathogenic (1 of 4 stars; one submission).

Conditions:
Rubinstein-Taybi syndrome due to CREBBP mutations (RSTS1). Also called: Rubinstein-Taybi syndrome 1; CREBBP-Related Rubinstein-Taybi Syndrome; RUBINSTEIN SYNDROME; BROAD THUMBS AND GREAT TOES, CHARACTERISTIC FACIES, AND IMPAIRED INTELLECTUAL DEVELOPMENT; RUBINSTEIN-TAYBI SYNDROME 1, INCOMPLETE; BROAD THUMB-HALLUX SYNDROME. Identifiers: Orphanet 353277, Orphanet 783, MedGen C4551859, MONDO:0008393, OMIM 180849.

Submission:

HudsonAlpha Institute for Biotechnology
Classification: Likely pathogenic for Rubinstein-Taybi syndrome due to CREBBP mutations. Last evaluated: 2019-05-24. Review status: criteria provided, single submitter. Criteria: ACMG Guidelines, 2015. Collection method: research. Allele origin: unknown. Affected: yes. Observed: 1 variant allele. Study: CSER-SouthSeq.
Comment: ACMG codes: PVS1, PM2